The following is an entry in ClinVar:

NM_021927.3(GUF1):c.1291A>G (p.Thr431Ala)

Gene: GUF1 (GTP binding elongation factor GUF1; plus strand). Cytogenetic location: 4p12.
Variant type: single nucleotide variant.
Coding change: c.1291A>G on transcript NM_021927.3 (MANE Select); coding-DNA position 1291, A replaced by G.
Protein change: p.Thr431Ala; replaces threonine 431 with alanine.
Molecular consequence: missense variant.
Genome position (GRCh38, 1-based): chr4:44,689,931, A>G. VCF-style: chr4-44689931-A-G. GRCh37 (hg19) VCF-style: chr4-44691948-A-G.
Other names: c.319A>G, p.Thr107Ala (NM_001345867.2, NM_001345869.2); c.1291A>G, p.Thr431Ala (NM_001345868.2); short protein forms T107A, T431A.
Identifiers: ClinVar variation 2956091 (VCV002956091.3), dbSNP rs141599891, ClinGen allele CA2905595.
Genomic context (GRCh38, chr4:44,689,931, plus strand): 5'-GAAGTTTTCAACCAGCGACTGGAGCAAGAATATAATGCTTCTGTTATTTTAACAACCCCT[A>G]CTGTTCCATATAAAGCTGTACTGTCATCATCAAAATTGATAAAGGTACTTGGTATTTAGT-3'
Protein context (NP_068746.2, residues 421-441): YNASVILTTP[Thr431Ala]VPYKAVLSSS

ClinVar aggregate classification (germline): Uncertain significance (1 of 4 stars; one submission).

Allele frequency attached by ClinVar (database versions not stated): ExAC 0.00001; gnomAD 0.00001; gnomAD exomes 0.00001; TOPMed 0.00001; ESP Exome Variant Server 0.00015.
gnomAD v4.1: 19 of 1,607,922 alleles (0.0012%); highest among the groups gnomAD compares: Non-Finnish European, 0.0016%; no homozygotes.

Submission:

Labcorp Genetics (formerly Invitae), Labcorp
Classification: Uncertain significance. Last evaluated: 2024-01-30. Review status: criteria provided, single submitter. Criteria: Invitae Variant Classification Sherloc (09022015). Collection method: clinical testing. Allele origin: germline.
Comment: This sequence change replaces threonine, which is neutral and polar, with alanine, which is neutral and non-polar, at codon 431 of the GUF1 protein (p.Thr431Ala). This variant is present in population databases (rs141599891, gnomAD 0.004%). This variant has not been reported in the literature in individuals affected with GUF1-related conditions. Advanced modeling of protein sequence and biophysical properties (such as structural, functional, and spatial information, amino acid conservation, physicochemical variation, residue mobility, and thermodynamic stability) performed at Invitae indicates that this missense variant is not expected to disrupt GUF1 protein function with a negative predictive value of 80%. In summary, the available evidence is currently insufficient to determine the role of this variant in disease. Therefore, it has been classified as a Variant of Uncertain Significance.